The following is an entry in ClinVar:

ClinVar aggregate classification (germline): Uncertain significance (1 of 4 stars; one submission).

gnomAD v4.1: 19 of 1,613,252 alleles (0.0012%); highest among the groups gnomAD compares: Middle Eastern, 0.017%; no homozygotes.

Submission:

Mayo Clinic Laboratories, Mayo Clinic
Classification: Uncertain significance. Last evaluated: 2023-07-07. Review status: criteria provided, single submitter. Criteria: ACMG Guidelines, 2015. Collection method: clinical testing. Allele origin: germline. Observed: 1 variant allele.
Comment: BP4

NM_018139.3(DNAAF2):c.2316G>C (p.Glu772Asp)

Gene: DNAAF2 (dynein axonemal assembly factor 2; minus strand). Cytogenetic location: 14q21.3.
Variant type: single nucleotide variant.
Coding change: c.2316G>C on transcript NM_018139.3 (MANE Select); coding-DNA position 2316, G replaced by C.
Protein change: p.Glu772Asp; replaces glutamic acid 772 with aspartic acid.
Molecular consequence: missense variant.
Genome position (GRCh38, 1-based): chr14:49,625,740, C>G on the plus strand (G>C on the coding strand, the complement: DNAAF2 is on the minus strand). VCF-style: chr14-49625740-C-G. GRCh37 (hg19) VCF-style: chr14-50092458-C-G.
Other names: p.Glu772Asp; c.2172G>C, p.Glu724Asp (NM_001083908.2); c.105G>C, p.Glu35Asp (NM_001378453.1); short protein forms E35D, E724D, E772D.
Identifiers: ClinVar variation 3380189 (VCV003380189.1).